The following is an entry in ClinVar:

NM_001005242.3(PKP2):c.491G>A (p.Ser164Asn)

Gene: PKP2 (plakophilin 2; minus strand). Cytogenetic location: 12p11.21.
Variant type: single nucleotide variant.
Coding change: c.491G>A on transcript NM_001005242.3 (MANE Select); coding-DNA position 491, G replaced by A.
Protein change: p.Ser164Asn; replaces serine 164 with asparagine.
Molecular consequence: missense variant.
Genome position (GRCh38, 1-based): chr12:32,878,389, C>T on the plus strand (G>A on the coding strand, the complement: PKP2 is on the minus strand). VCF-style: chr12-32878389-C-T. GRCh37 (hg19) VCF-style: chr12-33031323-C-T.
Other names: c.491G>A, p.Ser164Asn (NM_001407155.1, NM_001407156.1, NM_001407157.1 and 2 more transcripts); c.164G>A, p.Ser55Asn (NM_001407158.1, NM_001407159.1, NM_001407160.1 and 1 more transcripts); short protein forms S164N, S55N.
Identifiers: ClinVar variation 2774106 (VCV002774106.2), dbSNP rs2541341802, ClinGen allele CA384364991.

ClinVar aggregate classification (germline): Uncertain significance (1 of 4 stars; one submission).

Conditions:
Cardiomyopathy (CMYO). Also called: Cardiomyopathies. Identifiers: Orphanet 167848, MedGen C0878544, MONDO:0004994, HP:0001638. Inheritance: Various modes of inheritance.

Submission:

Color Diagnostics, LLC DBA Color Health
Classification: Uncertain significance for Cardiomyopathy. Last evaluated: 2024-03-07. Review status: criteria provided, single submitter. Criteria: ACMG Guidelines, 2015. Collection method: clinical testing. Allele origin: germline.
Comment: This missense variant replaces serine with asparagine at codon 164 of the PKP2 protein. Computational prediction suggests that this variant may not impact protein structure and function (internally defined REVEL score threshold <= 0.5, PMID: 27666373). To our knowledge, functional studies have not been reported for this variant. This variant has not been reported in individuals affected with cardiovascular disorders in the literature. This variant has not been identified in the general population by the Genome Aggregation Database (gnomAD). The available evidence is insufficient to determine the role of this variant in disease conclusively. Therefore, this variant is classified as a Variant of Uncertain Significance.